The following is an entry in ClinVar:

NM_000843.4(GRM6):c.1037G>C (p.Arg346Pro)

Genes: GRM6 (glutamate metabotropic receptor 6; minus strand), ZNF454 (zinc finger protein 454; plus strand). Cytogenetic location: 5q35.3.
Variant type: single nucleotide variant.
Coding change: c.1037G>C on transcript NM_000843.4 (MANE Select); coding-DNA position 1037, G replaced by C.
Protein change: p.Arg346Pro; replaces arginine 346 with proline.
Molecular consequence: missense variant.
Genome position (GRCh38, 1-based): chr5:178,989,381, C>G on the plus strand (G>C on the coding strand, the complement: GRM6 is on the minus strand). VCF-style: chr5-178989381-C-G. GRCh37 (hg19) VCF-style: chr5-178416382-C-G.
Other names: short protein forms R346P.
Identifiers: ClinVar variation 837216 (VCV000837216.11), dbSNP rs768585935, ClinGen allele CA3594251.

ClinVar aggregate classification (germline): Uncertain significance. Review status: criteria provided, multiple submitters, no conflicts (2 of 4 stars). 3 submissions from 3 submitters: Uncertain significance (3). Last evaluated 2026-02-17.

Conditions:
Inborn genetic diseases. Identifiers: MedGen C0950123, MeSH D030342.

Allele frequency attached by ClinVar (database versions not stated): ExAC 0.00002; gnomAD 0.00004; TOPMed 0.00008.
gnomAD v4.1: 49 of 1,613,874 alleles (0.003%); highest among the groups gnomAD compares: Non-Finnish European, 0.0041%; no homozygotes.

Submissions (3):

Ambry Genetics
Classification: Uncertain significance for Inborn genetic diseases. Last evaluated: 2026-02-17. Review status: criteria provided, single submitter. Criteria: Ambry Variant Classification Scheme 2023. Collection method: clinical testing. Allele origin: germline.

Blueprint Genetics
Classification: Uncertain significance. Last evaluated: 2023-07-25. Review status: criteria provided, single submitter. Criteria: ACMG Guidelines, 2015. Collection method: clinical testing. Allele origin: germline.

Labcorp Genetics (formerly Invitae), Labcorp
Classification: Uncertain significance. Last evaluated: 2023-05-08. Review status: criteria provided, single submitter. Criteria: Invitae Variant Classification Sherloc (09022015). Collection method: clinical testing. Allele origin: germline.
Comment: This sequence change replaces arginine, which is basic and polar, with proline, which is neutral and non-polar, at codon 346 of the GRM6 protein (p.Arg346Pro). This variant is present in population databases (rs768585935, gnomAD 0.005%). This variant has not been reported in the literature in individuals affected with GRM6-related conditions. ClinVar contains an entry for this variant (Variation ID: 837216). Advanced modeling of protein sequence and biophysical properties (such as structural, functional, and spatial information, amino acid conservation, physicochemical variation, residue mobility, and thermodynamic stability) performed at Invitae indicates that this missense variant is expected to disrupt GRM6 protein function. In summary, the available evidence is currently insufficient to determine the role of this variant in disease. Therefore, it has been classified as a Variant of Uncertain Significance.